The following is an entry in ClinVar:

NM_000138.5(FBN1):c.6380-83del

Gene: FBN1 (fibrillin 1; minus strand). Cytogenetic location: 15q21.1.
Variant type: Deletion.
Coding change: c.6380-83del on transcript NM_000138.5 (MANE Select); 83 bases into the intron before coding-DNA position 6380, one base deleted (T; older notation c.6380-83delT).
Molecular consequence: intron variant.
Genome position (GRCh38, 1-based): chr15:48,437,160, A deleted on the plus strand (T on the coding strand, the reverse complement: FBN1 is on the minus strand); the first of 4 consecutive A bases (chr15:48,437,160-48,437,163); deleting any one gives the same sequence. VCF-style (leftmost placement, unchanged base first): chr15-48437159-CA-C. GRCh37 (hg19) VCF-style: chr15-48729356-CA-C.
Other names: c.6380-83delT (NM_000138.4).
Identifiers: ClinVar variation 36099 (VCV000036099.3), dbSNP rs193922222, ClinGen allele CA016387.
Genomic context (GRCh38, chr15:48,437,159, plus strand): 5'-AGTGAATAACAAGGTATTTTTTAAACGTGAAGATAAATTATGATCATTTCAGTGTTTAAT[CA>C]AAAGATTATCTAATAATGCAATAATATAATTGCTATCTAAATGAAGGGACAAAAAAGTAG-3'

ClinVar aggregate classification (germline): Uncertain significance (1 of 4 stars; one submission).

Conditions:
Marfan syndrome (MFS). Also called: FBN1-Related Marfan Syndrome; Marfan syndrome type 1; Marfan's syndrome; Marfan syndrome, classic; MARFAN SYNDROME, TYPE I. Identifiers: Orphanet 284963, Orphanet 558, MedGen C0024796, MONDO:0007947, OMIM 154700.

Submission:

Women's Health and Genetics/Laboratory Corporation of America, LabCorp
Classification: Uncertain significance for Marfan Syndrome. Last evaluated: 2011-08-18. Review status: criteria provided, single submitter. Criteria: LabCorp Variant Classification Summary - May 2015. Collection method: curation. Allele origin: germline. Inheritance: autosomal unknown. Affected: yes.
ClinVar note: Converted during submission from uncertain to Uncertain significance.